The following is an entry in ClinVar:

ClinVar aggregate classification (germline): Uncertain significance (1 of 4 stars; one submission).

Conditions:
Early-infantile DEE. Also called: Early infantile epileptic encephalopathy; Early infantile epileptic encephalopathy with suppression bursts; Ohtahara syndrome. Identifiers: Orphanet 1934, MedGen C0393706, MONDO:0800491.

gnomAD v4.1: 1 of 1,614,084 alleles (0.000062%); highest among the groups gnomAD compares: South Asian, 0.0011%; no homozygotes.

Submission:

Labcorp Genetics (formerly Invitae), Labcorp
Classification: Uncertain significance for Early-infantile DEE. Last evaluated: 2019-09-12. Review status: criteria provided, single submitter. Criteria: Invitae Variant Classification Sherloc (09022015). Collection method: clinical testing. Allele origin: germline.
Comment: This sequence change replaces glycine with arginine at codon 884 of the SCN1A protein (p.Gly884Arg). The glycine residue is highly conserved and there is a moderate physicochemical difference between glycine and arginine. In summary, the available evidence is currently insufficient to determine the role of this variant in disease. Therefore, it has been classified as a Variant of Uncertain Significance. Algorithms developed to predict the effect of missense changes on protein structure and function (SIFT, PolyPhen-2, Align-GVGD) all suggest that this variant is likely to be disruptive, but these predictions have not been confirmed by published functional studies and their clinical significance is uncertain. This variant has not been reported in the literature in individuals with SCN1A-related conditions. This variant is not present in population databases (ExAC no frequency).

NM_001165963.4(SCN1A):c.2650G>C (p.Gly884Arg)

Gene: SCN1A (sodium voltage-gated channel alpha subunit 1; minus strand). Cytogenetic location: 2q24.3.
Variant type: single nucleotide variant.
Coding change: c.2650G>C on transcript NM_001165963.4 (MANE Select); coding-DNA position 2650, G replaced by C.
Protein change: p.Gly884Arg; replaces glycine 884 with arginine.
Molecular consequence: missense variant. On other transcripts: non-coding transcript variant (1).
Genome position (GRCh38, 1-based): chr2:166,038,072, C>G on the plus strand (G>C on the coding strand, the complement: SCN1A is on the minus strand). VCF-style: chr2-166038072-C-G. GRCh37 (hg19) VCF-style: chr2-166894582-C-G.
Other names: c.2566G>C, p.Gly856Arg (NM_001165964.3, NM_001353957.2, NM_001353958.2); c.2650G>C, p.Gly884Arg (NM_001202435.3, NM_001353948.2); c.2617G>C, p.Gly873Arg (NM_001353949.2, NM_001353950.2, NM_001353951.2 and 2 more transcripts); c.2614G>C, p.Gly872Arg (NM_001353954.2, NM_001353955.2); c.2563G>C, p.Gly855Arg (NM_001353960.2); c.208G>C, p.Gly70Arg (NM_001353961.2); short protein forms G70R, G884R, G856R, G855R, G872R, G873R.
Identifiers: ClinVar variation 934198 (VCV000934198.10), dbSNP rs1253956567, ClinGen allele CA349061668.
Genomic context (GRCh38, chr2:166,038,072, plus strand): 5'-AAATGAAGACGATGATGGCCAAGACGAGGGTTAAATTTCCCAGAGCCCCCACGGAATTGC[C>G]GATGATCTTTATTAGCATATTTAACGTTGGCCAAGATTTTGCCAACTTGAAAACTCGCAG-3'
Protein context (NP_001159435.1, residues 874-894): PTLNMLIKII[Gly884Arg]NSVGALGNLT